The following is an entry in ClinVar:

NM_001737.5(C9):c.1646-3T>C

Gene: C9 (complement C9; minus strand). Cytogenetic location: 5p13.1.
Variant type: single nucleotide variant.
Coding change: c.1646-3T>C on transcript NM_001737.5 (MANE Select); 3 bases into the intron before coding-DNA position 1646, T replaced by C.
Molecular consequence: intron variant.
Genome position (GRCh38, 1-based): chr5:39,285,236, A>G on the plus strand (T>C on the coding strand, the complement: C9 is on the minus strand). VCF-style: chr5-39285236-A-G. GRCh37 (hg19) VCF-style: chr5-39285338-A-G.
Other names: c.1646-3T>C (NM_001737.4).
Identifiers: ClinVar variation 1166301 (VCV001166301.14), dbSNP rs141471456, ClinGen allele CA3246631.

ClinVar aggregate classification (germline): Benign/Likely benign. Review status: criteria provided, multiple submitters, no conflicts (2 of 4 stars). 5 submissions from 5 submitters: Benign (3); Likely benign (1). 1 of the submissions does not count toward it. Last evaluated 2026-01-30.

Conditions:
C9-related disorder. Also called: C9-related condition.

Allele frequency attached by ClinVar (database versions not stated): gnomAD exomes 0.00028 and 0.00096; ExAC 0.00134; gnomAD 0.00342 and 0.00361; TOPMed 0.00409; 1000 Genomes Project 0.00419; ESP Exome Variant Server 0.00431; 1000 Genomes Project 30x 0.00437.
gnomAD v4.1: 958 of 1,611,696 alleles (0.059%); highest among the groups gnomAD compares: African/African-American, 1.1%; 3 homozygotes.

Submissions (5):

Women's Health and Genetics/Laboratory Corporation of America, LabCorp
Classification: Benign. Last evaluated: 2026-01-30. Review status: criteria provided, single submitter. Criteria: LabCorp Variant Classification Summary - May 2015. Collection method: clinical testing. Allele origin: germline.
Comment: Variant summary: C9 c.1646-3T>C alters a nucleotide located close to a canonical splice site and therefore could affect mRNA splicing, leading to a significantly altered protein sequence. Consensus agreement among computation tools predict no significant impact on normal splicing. However, these predictions have yet to be confirmed by functional studies. The variant allele was found at a frequency of 0.00096 in 251116 control chromosomes, predominantly at a frequency of 0.013 within the African or African-American subpopulation in the gnomAD database, including 2 homozygotes. The observed variant frequency within African or African-American control individuals in the gnomAD database exceeds the estimated maximal expected allele frequency for disease-causing variants in C9. To our knowledge, no occurrence of c.1646-3T>C in individuals affected with C9-related conditions and no experimental evidence demonstrating its impact on protein function have been reported. ClinVar contains an entry for this variant (Variation ID: 1166301). Based on the evidence outlined above, the variant was classified as benign.

Labcorp Genetics (formerly Invitae), Labcorp
Classification: Benign. Last evaluated: 2026-01-22. Review status: criteria provided, single submitter. Criteria: Invitae Variant Classification Sherloc (09022015). Collection method: clinical testing. Allele origin: germline.

Blueprint Genetics
Classification: Likely benign. Last evaluated: 2024-11-13. Review status: criteria provided, single submitter. Criteria: ACMG Guidelines, 2015. Collection method: clinical testing. Allele origin: germline.

Breakthrough Genomics
Classification: Benign. Review status: criteria provided, single submitter. Criteria: ACMG Guidelines, 2015. Collection method: not provided. Allele origin: germline. Inheritance: Autosomal dominant inheritance. Affected: yes.

PreventionGenetics, part of Exact Sciences
Classification: Benign for C9-related condition. Last evaluated: 2019-07-11. Review status: no assertion criteria provided. Collection method: clinical testing. Allele origin: germline. Not counted in ClinVar's aggregate classification.
Comment: This variant is classified as benign based on ACMG/AMP sequence variant interpretation guidelines (Richards et al. 2015 PMID: 25741868, with internal and published modifications).